The following is an entry in ClinVar:

NM_000051.4(ATM):c.4497T>C (p.Ser1499=)

Gene: ATM (ATM serine/threonine kinase; plus strand). Cytogenetic location: 11q22.3.
Variant type: single nucleotide variant.
Coding change: c.4497T>C on transcript NM_000051.4 (MANE Select); coding-DNA position 4497, T replaced by C.
Protein change: p.Ser1499=; no amino-acid change (serine 1499 retained).
Molecular consequence: synonymous variant.
Genome position (GRCh38, 1-based): chr11:108,292,679, T>C. VCF-style: chr11-108292679-T-C. GRCh37 (hg19) VCF-style: chr11-108163406-T-C.
Other names: c.4497T>C, p.Ser1499= (NM_001351834.2).
Identifiers: ClinVar variation 3254428 (VCV003254428.1), dbSNP rs2135799094.

ClinVar aggregate classification (germline): Benign (1 of 4 stars; one submission).

Conditions:
Familial cancer of breast. Also called: BREAST CANCER, FAMILIAL; Hereditary breast cancer; hereditary breast carcinoma. Identifiers: Orphanet 227535, MedGen C0346153, MONDO:0016419, OMIM 114480. Disease mechanism: loss of function.

Submission:

Myriad Genetics, Inc.
Classification: Benign for Familial cancer of breast. Last evaluated: 2024-05-20. Review status: criteria provided, single submitter. Criteria: Myriad Autosomal Dominant, Autosomal Recessive and X-Linked Classification Criteria (2023). Collection method: clinical testing. Allele origin: unknown.
Comment: This variant is considered benign. This variant is a silent/synonymous amino acid change and it is not expected to impact splicing.